The following is an entry in ClinVar:

NM_024408.4(NOTCH2):c.6683A>C (p.His2228Pro)

Gene: NOTCH2 (notch receptor 2; minus strand). Cytogenetic location: 1p12.
Variant type: single nucleotide variant.
Coding change: c.6683A>C on transcript NM_024408.4 (MANE Select); coding-DNA position 6683, A replaced by C.
Protein change: p.His2228Pro; replaces histidine 2228 with proline.
Molecular consequence: missense variant.
Genome position (GRCh38, 1-based): chr1:119,916,039, T>G on the plus strand (A>C on the coding strand, the complement: NOTCH2 is on the minus strand). VCF-style: chr1-119916039-T-G. GRCh37 (hg19) VCF-style: chr1-120458662-T-G.
Other names: short protein forms H2228P.
Identifiers: ClinVar variation 3351731 (VCV003351731.2).

ClinVar aggregate classification (germline): Uncertain significance. Review status: criteria provided, single submitter (1 of 4 stars). 2 submissions from 2 submitters: Uncertain significance (1). 1 of the submissions does not count toward it. Last evaluated 2024-06-11.

Conditions:
Alagille syndrome due to a NOTCH2 point mutation. Also called: Alagille syndrome 2. Identifiers: Orphanet 261629, Orphanet 52, MedGen C1857761, MONDO:0012439, OMIM 610205.
Hajdu-Cheney syndrome (HJCYS). Also called: ACROOSTEOLYSIS WITH OSTEOPOROSIS AND CHANGES IN SKULL AND MANDIBLE; SERPENTINE FIBULA-POLYCYSTIC KIDNEY SYNDROME; Acroosteolysis dominant type. Identifiers: Orphanet 955, MedGen C0917715, MONDO:0007057, OMIM 102500.
NOTCH2-related disorder. Also called: NOTCH2-related condition.

gnomAD v4.1: 1 of 1,613,782 alleles (0.000062%); highest among the groups gnomAD compares: East Asian, 0.0022%; no homozygotes.

Submissions (2):

Fulgent Genetics
Classification: Uncertain significance for Hajdu-Cheney syndrome; Alagille syndrome due to a NOTCH2 point mutation. Last evaluated: 2024-06-11. Review status: criteria provided, single submitter. Criteria: ACMG Guidelines, 2015. Collection method: clinical testing. Allele origin: germline.

PreventionGenetics, part of Exact Sciences
Classification: Uncertain significance for NOTCH2-related condition. Last evaluated: 2024-05-02. Review status: no assertion criteria provided. Collection method: clinical testing. Allele origin: germline. Not counted in ClinVar's aggregate classification.
Comment: The NOTCH2 c.6683A>C variant is predicted to result in the amino acid substitution p.His2228Pro. To our knowledge, this variant has not been reported in the literature. This variant is reported in 0.0054% of alleles in individuals of East Asian descent in gnomAD. At this time, the clinical significance of this variant is uncertain due to the absence of conclusive functional and genetic evidence.